The following is an entry in ClinVar:

ClinVar aggregate classification (germline): Uncertain significance (1 of 4 stars; one submission).

Submission:

GeneDx
Classification: Uncertain significance. Last evaluated: 2024-04-10. Review status: criteria provided, single submitter. Criteria: GeneDx Variant Classification Process June 2021. Collection method: clinical testing. Allele origin: germline. Affected: yes.
Comment: Not observed at significant frequency in large population cohorts (gnomAD); In silico analysis supports that this missense variant has a deleterious effect on protein structure/function; Has not been previously published as pathogenic or benign to our knowledge

NM_002971.6(SATB1):c.1585T>A (p.Cys529Ser)

Gene: SATB1 (SATB homeobox 1; minus strand). Cytogenetic location: 3p24.3.
Variant type: single nucleotide variant.
Coding change: c.1585T>A on transcript NM_002971.6 (MANE Select); coding-DNA position 1585, T replaced by A.
Protein change: p.Cys529Ser; replaces cysteine 529 with serine.
Molecular consequence: missense variant.
Genome position (GRCh38, 1-based): chr3:18,352,186, A>T on the plus strand (T>A on the coding strand, the complement: SATB1 is on the minus strand). VCF-style: chr3-18352186-A-T. GRCh37 (hg19) VCF-style: chr3-18393678-A-T.
Other names: c.1585T>A, p.Cys529Ser (NM_001131010.4, NM_001195470.3, NM_001322871.2 and 4 more transcripts); c.1369T>A, p.Cys457Ser (NM_001322876.2); short protein forms C457S, C529S.
Identifiers: ClinVar variation 3372348 (VCV003372348.1).